The following is an entry in ClinVar:

NM_004621.6(TRPC6):c.435T>C (p.His145=)

Gene: TRPC6 (transient receptor potential cation channel subfamily C member 6; minus strand). Cytogenetic location: 11q22.1.
Variant type: single nucleotide variant.
Coding change: c.435T>C on transcript NM_004621.6 (MANE Select); coding-DNA position 435, T replaced by C.
Protein change: p.His145=; no amino-acid change (histidine 145 retained).
Molecular consequence: synonymous variant.
Genome position (GRCh38, 1-based): chr11:101,504,534, A>G on the plus strand (T>C on the coding strand, the complement: TRPC6 is on the minus strand). VCF-style: chr11-101504534-A-G. GRCh37 (hg19) VCF-style: chr11-101375265-A-G.
Other names: c.435T>C (NM_004621.5).
Identifiers: ClinVar variation 2957869 (VCV002957869.5), dbSNP rs200589012, ClinGen allele CA6244525.

ClinVar aggregate classification (germline): Benign/Likely benign. Review status: criteria provided, multiple submitters, no conflicts (2 of 4 stars). 3 submissions from 3 submitters: Benign (1); Likely benign (2). Last evaluated 2026-05-31.

Conditions:
TRPC6-related disorder. Also called: TRPC6-related condition.

Allele frequency attached by ClinVar (database versions not stated): TOPMed 0.00002; gnomAD 0.00003; gnomAD exomes 0.00005; ExAC 0.00016.

Submissions (3):

PreventionGenetics, part of Exact Sciences
Classification: Likely benign for TRPC6-related condition. Last evaluated: 2026-05-31. Review status: criteria provided, single submitter. Criteria: ACMG Guidelines, 2015. Collection method: clinical testing. Allele origin: germline.
Comment: This variant is classified as likely benign based on ACMG/AMP sequence variant interpretation guidelines (Richards et al. 2015 PMID: 25741868, with internal and published modifications).

Labcorp Genetics (formerly Invitae), Labcorp
Classification: Benign. Last evaluated: 2024-11-29. Review status: criteria provided, single submitter. Criteria: Invitae Variant Classification Sherloc (09022015). Collection method: clinical testing. Allele origin: germline.

Blueprint Genetics
Classification: Likely benign. Last evaluated: 2023-07-28. Review status: criteria provided, single submitter. Criteria: ACMG Guidelines, 2015. Collection method: clinical testing. Allele origin: germline.